The following is an entry in ClinVar:

NM_004360.5(CDH1):c.1774G>T (p.Ala592Ser)

Gene: CDH1 (cadherin 1; plus strand). Cytogenetic location: 16q22.1.
Variant type: single nucleotide variant.
Coding change: c.1774G>T on transcript NM_004360.5 (MANE Select); coding-DNA position 1774, G replaced by T.
Protein change: p.Ala592Ser; replaces alanine 592 with serine.
Molecular consequence: missense variant. On other transcripts: 5 prime UTR variant (1).
Genome position (GRCh38, 1-based): chr16:68,822,063, G>T. VCF-style: chr16-68822063-G-T. GRCh37 (hg19) VCF-style: chr16-68855966-G-T.
Other names: c.1591G>T, p.Ala531Ser (NM_001317184.2); c.226G>T, p.Ala76Ser (NM_001317185.2); c.-192G>T (NM_001317186.2); c.1774G>T (LRG_301t1); short protein forms A592S, A531S, A76S.
Identifiers: ClinVar variation 184624 (VCV000184624.34), dbSNP rs35187787, ClinGen allele CA189491.

ClinVar aggregate classification (germline): Uncertain significance. Review status: criteria provided, multiple submitters, no conflicts (2 of 4 stars). 8 submissions from 8 submitters: Uncertain significance (7). 1 of the submissions does not count toward it. Last evaluated 2025-08-31.

Conditions:
Familial cancer of breast. Also called: hereditary breast carcinoma; BREAST CANCER, FAMILIAL; Hereditary breast cancer. Identifiers: Orphanet 227535, MedGen C0346153, MONDO:0016419, OMIM 114480. Disease mechanism: loss of function.
Hereditary diffuse gastric adenocarcinoma (HDGC). Also called: DIFFUSE GASTRIC AND LOBULAR BREAST CANCER SYNDROME. Identifiers: Orphanet 26106, MedGen C1708349, MONDO:0007648, OMIM 137215.
Endometrial carcinoma. Also called: Endometrial carcinoma, somatic. Identifiers: MedGen C0476089, MONDO:0002447, OMIM 608089, HP:0012114.
Ovarian neoplasm. Also called: Neoplasm of ovary; Ovarian tumor; Ovarian Neoplasms. Identifiers: MedGen C0919267, MeSH D010051, MONDO:0021068, HP:0100615.
Prostate cancer. Also called: Malignant tumor of prostate. Identifiers: Orphanet 1331, MedGen C0376358, MONDO:0008315, HP:0012125.
Blepharocheilodontic syndrome 1 (BCDS1). Identifiers: Orphanet 1997, MedGen C4551988, MONDO:0054740, OMIM 119580.
Hereditary cancer-predisposing syndrome. Also called: Neoplastic Syndromes, Hereditary; Hereditary neoplastic syndrome; Hereditary Cancer Syndrome; Tumor predisposition. Identifiers: Orphanet 140162, MedGen C0027672, MeSH D009386, MONDO:0015356.

gnomAD v4.1: 11 of 1,614,088 alleles (0.00068%); highest among the groups gnomAD compares: Non-Finnish European, 0.00093%; no homozygotes.

Submissions (8):

Labcorp Genetics (formerly Invitae), Labcorp
Classification: Uncertain significance for Hereditary diffuse gastric adenocarcinoma. Last evaluated: 2025-08-31. Review status: criteria provided, single submitter. Criteria: Invitae Variant Classification Sherloc (09022015). Collection method: clinical testing. Allele origin: germline.
Comment: This sequence change replaces alanine, which is neutral and non-polar, with serine, which is neutral and polar, at codon 592 of the CDH1 protein (p.Ala592Ser). This variant is present in population databases (rs35187787, gnomAD 0.004%). This missense change has been observed in individual(s) with breast cancer, ovarian cancer and melanoma (PMID: 11747475, 28608266). ClinVar contains an entry for this variant (Variation ID: 184624). An algorithm developed to predict the effect of missense changes on protein structure and function (PolyPhen-2) suggests that this variant is likely to be tolerated. In summary, the available evidence is currently insufficient to determine the role of this variant in disease. Therefore, it has been classified as a Variant of Uncertain Significance.

Ambry Genetics
Classification: Uncertain significance for Hereditary cancer-predisposing syndrome. Last evaluated: 2025-04-16. Review status: criteria provided, single submitter. Criteria: Ambry Variant Classification Scheme 2023. Collection method: clinical testing. Allele origin: germline.
Comment: The p.A592S variant (also known as c.1774G>T), located in coding exon 12 of the CDH1 gene, results from a G to T substitution at nucleotide position 1774. The alanine at codon 592 is replaced by serine, an amino acid with similar properties. This alteration was identified in a patient with early-onset breast cancer; however, pathology was not provided (Dominguez-Valentin M et al. Fam. Cancer. 2018 Jan;17(1):141-153). This amino acid position is poorly conserved in available vertebrate species. In addition, this alteration is predicted to be tolerated by in silico analysis. Based on the available evidence, the clinical significance of this variant remains unclear.

Center for Genomic Medicine, Rigshospitalet, Copenhagen University Hospital
Classification: Uncertain significance. Last evaluated: 2025-03-04. Review status: criteria provided, single submitter. Criteria: ACMG Guidelines, 2015. Collection method: clinical testing. Allele origin: germline.

GeneDx
Classification: Uncertain significance. Last evaluated: 2023-07-13. Review status: criteria provided, single submitter. Criteria: GeneDx Variant Classification Process June 2021. Collection method: clinical testing. Allele origin: germline. Affected: yes.
Comment: In silico analysis supports that this missense variant does not alter protein structure/function; This variant is associated with the following publications: (PMID: 11747475, 31811167, 28608266, 15235021, 22850631)

Myriad Genetics, Inc.
Classification: Uncertain significance for Hereditary diffuse gastric adenocarcinoma. Last evaluated: 2023-03-06. Review status: criteria provided, single submitter. Criteria: Myriad Autosomal Dominant, Autosomal Recessive and X-Linked Classification Criteria (2023). Collection method: clinical testing. Allele origin: unknown.
Comment: This variant is classified as a variant of uncertain significance as there is insufficient evidence to determine its impact on protein function and/or cancer risk.

Color Diagnostics, LLC DBA Color Health
Classification: Uncertain significance for Hereditary cancer-predisposing syndrome. Last evaluated: 2022-07-25. Review status: criteria provided, single submitter. Criteria: ACMG Guidelines, 2015. Collection method: clinical testing. Allele origin: germline.
Comment: This missense variant replaces alanine with serine at codon 592 of the CDH1 protein. To our knowledge, functional studies have not been reported for this variant. This variant has been reported in individuals affected with breast cancer (PMID: 11747475, 28608266). This variant has been identified in 6/251486 chromosomes in the general population by the Genome Aggregation Database (gnomAD). The available evidence is insufficient to determine the role of this variant in disease conclusively. Therefore, this variant is classified as a Variant of Uncertain Significance.

Fulgent Genetics
Classification: Uncertain significance for Familial cancer of breast; Blepharocheilodontic syndrome 1; Hereditary diffuse gastric adenocarcinoma; Ovarian cancer; Familial prostate cancer; Endometrial carcinoma. Last evaluated: 2018-10-31. Review status: criteria provided, single submitter. Criteria: ACMG Guidelines, 2015. Collection method: clinical testing. Allele origin: unknown.

Counsyl
Classification: Uncertain significance for Hereditary diffuse gastric adenocarcinoma. Last evaluated: 2018-05-15. Review status: no assertion criteria provided. Collection method: clinical testing. Allele origin: unknown. Not counted in ClinVar's aggregate classification.

Literature cited by the submitters: PubMed 11747475 (cited by 4 submitters); PubMed 28608266 (cited by 5 submitters).